The following is an entry in ClinVar:

ClinVar aggregate classification (germline): Uncertain significance (1 of 4 stars; one submission).

Conditions:
Myopathy, tubular aggregate, 2 (TAM2). Identifiers: MedGen C4014557, MONDO:0014383, OMIM 615883.
Combined immunodeficiency due to ORAI1 deficiency. Also called: IMMUNODEFICIENCY 9. Identifiers: Orphanet 169090, Orphanet 317428, MedGen C2748568, MONDO:0013007, OMIM 612782.

Submission:

Labcorp Genetics (formerly Invitae), Labcorp
Classification: Uncertain significance for Myopathy, tubular aggregate, 2; Combined immunodeficiency due to ORAI1 deficiency. Last evaluated: 2024-02-17. Review status: criteria provided, single submitter. Criteria: Invitae Variant Classification Sherloc (09022015). Collection method: clinical testing. Allele origin: germline.
Comment: This sequence change replaces alanine, which is neutral and non-polar, with serine, which is neutral and polar, at codon 6 of the ORAI1 protein (p.Ala6Ser). The frequency data for this variant in the population databases is considered unreliable, as metrics indicate insufficient coverage at this position in the gnomAD database. This variant has not been reported in the literature in individuals affected with ORAI1-related conditions. Experimental studies and prediction algorithms are not available or were not evaluated, and the functional significance of this variant is currently unknown. In summary, the available evidence is currently insufficient to determine the role of this variant in disease. Therefore, it has been classified as a Variant of Uncertain Significance.

NC_000012.12:g.121626758G>T

Genes: ORAI1 (ORAI calcium release-activated calcium modulator 1; plus strand), LOC130008987 (ATAC-STARR-seq lymphoblastoid silent region 4981; plus strand). Cytogenetic location: 12q24.31.
Variant type: single nucleotide variant.
Molecular consequence: non-coding transcript variant (on NR_186857.1).
Genome position: GRCh38 VCF-style: chr12-121626758-G-T. GRCh37 (hg19) VCF-style: chr12-122064663-G-T.
Identifiers: ClinVar variation 3752872 (VCV003752872.2).